The following is an entry in ClinVar:

NM_001287.6(CLCN7):c.2175C>T (p.His725=)

Gene: CLCN7 (Cl-/H+ antiporter 7; minus strand). Cytogenetic location: 16p13.3.
Variant type: single nucleotide variant.
Coding change: c.2175C>T on transcript NM_001287.6 (MANE Select); coding-DNA position 2175, C replaced by T.
Protein change: p.His725=; no amino-acid change (histidine 725 retained).
Molecular consequence: synonymous variant.
Genome position (GRCh38, 1-based): chr16:1,447,467, G>A on the plus strand (C>T on the coding strand, the complement: CLCN7 is on the minus strand). VCF-style: chr16-1447467-G-A. GRCh37 (hg19) VCF-style: chr16-1497468-G-A.
Other names: c.2175C>T (NM_001287.5); c.2103C>T, p.His701= (NM_001114331.3).
Identifiers: ClinVar variation 1611075 (VCV001611075.17), dbSNP rs201745891, ClinGen allele CA7809902.

ClinVar aggregate classification (germline): Likely benign. Review status: criteria provided, multiple submitters, no conflicts (2 of 4 stars). 3 submissions from 3 submitters: Likely benign (2). 1 of the submissions does not count toward it. Last evaluated 2025-04-01.

Conditions:
CLCN7-related disorder. Also called: CLCN7-related condition.

Allele frequency attached by ClinVar (database versions not stated): gnomAD 0.00001; gnomAD exomes 0.00001; TOPMed 0.00002; ExAC 0.00005.
gnomAD v4.1: 22 of 1,552,980 alleles (0.0014%); highest among the groups gnomAD compares: Non-Finnish European, 0.0018%; no homozygotes.

Submissions (3):

CeGaT Center for Human Genetics Tuebingen
Classification: Likely benign. Last evaluated: 2025-04-01. Review status: criteria provided, single submitter. Criteria: CeGaT Center For Human Genetics Tuebingen Variant Classification Criteria Version 2. Collection method: clinical testing. Allele origin: germline. Affected: yes. Observed: 1 variant allele.
Comment: CLCN7: BP4, BP7

Labcorp Genetics (formerly Invitae), Labcorp
Classification: Likely benign. Last evaluated: 2023-03-10. Review status: criteria provided, single submitter. Criteria: Invitae Variant Classification Sherloc (09022015). Collection method: clinical testing. Allele origin: germline.

PreventionGenetics, part of Exact Sciences
Classification: Likely benign for CLCN7-related condition. Last evaluated: 2019-08-27. Review status: no assertion criteria provided. Collection method: clinical testing. Allele origin: germline. Not counted in ClinVar's aggregate classification.
Comment: This variant is classified as likely benign based on ACMG/AMP sequence variant interpretation guidelines (Richards et al. 2015 PMID: 25741868, with internal and published modifications).